The following is an entry in ClinVar:

NM_000051.4(ATM):c.7789-5A>G

Genes: ATM (ATM serine/threonine kinase; plus strand), C11orf65 (chromosome 11 open reading frame 65; minus strand). Cytogenetic location: 11q22.3.
Variant type: single nucleotide variant.
Coding change: c.7789-5A>G on transcript NM_000051.4 (MANE Select); 5 bases into the intron before coding-DNA position 7789, A replaced by G.
Molecular consequence: intron variant.
Genome position (GRCh38, 1-based): chr11:108,332,757, A>G. VCF-style: chr11-108332757-A-G. GRCh37 (hg19) VCF-style: chr11-108203484-A-G.
Other names: c.7789-5A>G (NM_001351834.2); c.641-23686T>C (NM_001330368.2); c.*38+2463T>C (NM_001351110.2).
Identifiers: ClinVar variation 2850028 (VCV002850028.3), dbSNP rs2086401437, ClinGen allele CA1998811052.

ClinVar aggregate classification (germline): Conflicting classifications of pathogenicity. Review status: criteria provided, conflicting classifications (1 of 4 stars). 2 submissions from 2 submitters: Uncertain significance (1); Likely benign (1). Last evaluated 2025-10-09.

Conditions:
Ataxia-telangiectasia syndrome (AT). Also called: LOUIS-BAR SYNDROME; Cerebello-oculocutaneous telangiectasia; Immunodeficiency with ataxia telangiectasia; Ataxia telangiectasia (A-T); Ataxia-telangiectasia, complementation group D; AT, COMPLEMENTATION GROUP C. Identifiers: Orphanet 100, MedGen C0004135, MONDO:0008840, OMIM 208900.
Hereditary cancer-predisposing syndrome. Also called: Tumor predisposition; Neoplastic Syndromes, Hereditary; Hereditary Cancer Syndrome; Hereditary neoplastic syndrome. Identifiers: Orphanet 140162, MedGen C0027672, MeSH D009386, MONDO:0015356.

Allele frequency attached by ClinVar (database versions not stated): TOPMed below 0.00001.

Submissions (2):

Ambry Genetics
Classification: Uncertain significance for Hereditary cancer-predisposing syndrome. Last evaluated: 2025-10-09. Review status: criteria provided, single submitter. Criteria: Ambry Variant Classification Scheme 2023. Collection method: clinical testing. Allele origin: germline.
Comment: The c.7789-5A>G intronic variant results from an A to G substitution 5 nucleotides upstream from coding exon 52 in the ATM gene. This nucleotide position is not well conserved in available vertebrate species. In silico splice site analysis predicts that this alteration will not have any significant effect on splicing. Based on the available evidence, the clinical significance of this variant remains unclear.

Labcorp Genetics (formerly Invitae), Labcorp
Classification: Likely benign for Ataxia-telangiectasia syndrome. Last evaluated: 2023-03-27. Review status: criteria provided, single submitter. Criteria: Invitae Variant Classification Sherloc (09022015). Collection method: clinical testing. Allele origin: germline.